The following is an entry in ClinVar:

ClinVar aggregate classification (germline): Likely benign. Review status: criteria provided, multiple submitters, no conflicts (2 of 4 stars). 2 submissions from 2 submitters: Likely benign (2). Last evaluated 2024-06-21.

Conditions:
Cardiomyopathy (CMYO). Also called: Cardiomyopathies. Identifiers: Orphanet 167848, MedGen C0878544, MONDO:0004994, HP:0001638. Inheritance: Various modes of inheritance.
Cardiomyopathy, familial restrictive, 3. Identifiers: Orphanet 75249, MedGen C2676271, MONDO:0012900, OMIM 612422.
Hypertrophic cardiomyopathy 2. Also called: TNNT2-Related Familial Hypertrophic Cardiomyopathy. Identifiers: MedGen C1861864, MONDO:0007266, OMIM 115195.
Dilated cardiomyopathy 1D. Identifiers: Orphanet 154, Orphanet 54260, MedGen C1832243, MONDO:0011095, OMIM 601494.

Allele frequency attached by ClinVar (database versions not stated): gnomAD exomes below 0.00001.
gnomAD v4.1: 2 of 1,571,180 alleles (0.00013%); highest among the groups gnomAD compares: Non-Finnish European, 0.00017%; no homozygotes.

Submissions (2):

Labcorp Genetics (formerly Invitae), Labcorp
Classification: Likely benign for Cardiomyopathy, familial restrictive, 3; Hypertrophic cardiomyopathy 2; Dilated cardiomyopathy 1D. Last evaluated: 2024-06-21. Review status: criteria provided, single submitter. Criteria: Invitae Variant Classification Sherloc (09022015). Collection method: clinical testing. Allele origin: germline.

All of Us Research Program, National Institutes of Health
Classification: Likely benign for Cardiomyopathy. Last evaluated: 2023-02-24. Review status: criteria provided, single submitter. Criteria: ACMG Guidelines, 2015. Collection method: clinical testing. Allele origin: germline. Inheritance: Autosomal dominant inheritance. Observed: 2 variant alleles, 2 heterozygotes.
Comment: This study involves interpretation of variants in research participants for the purpose of population health screening. Participant phenotype was not available at the time of variant classification. Additional details can be found in publication PMID: 35346344, PMCID: PMC8962531

NM_001276345.2(TNNT2):c.57A>G (p.Ala19=)

Gene: TNNT2 (troponin T2, cardiac type; minus strand). Cytogenetic location: 1q32.1.
Variant type: single nucleotide variant.
Coding change: c.57A>G on transcript NM_001276345.2 (MANE Select); coding-DNA position 57, A replaced by G.
Protein change: p.Ala19=; no amino-acid change (alanine 19 retained).
Molecular consequence: synonymous variant. On other transcripts: intron variant (2).
Genome position (GRCh38, 1-based): chr1:201,372,037, T>C on the plus strand (A>G on the coding strand, the complement: TNNT2 is on the minus strand). VCF-style: chr1-201372037-T-C. GRCh37 (hg19) VCF-style: chr1-201341165-T-C.
Other names: c.57A>G, p.Ala19= (NM_000364.4, NM_001001430.3, NM_001001431.3 and 7 more transcripts); c.52+108A>G (NM_001001432.3, NM_001406728.1).
Identifiers: ClinVar variation 3069422 (VCV003069422.3), dbSNP rs1571673874, ClinGen allele CA422533787.